The following is an entry in ClinVar:

ClinVar aggregate classification (germline): Uncertain significance (1 of 4 stars; one submission).

Conditions:
Inborn genetic diseases. Identifiers: MedGen C0950123, MeSH D030342.

Allele frequency attached by ClinVar (database versions not stated): TOPMed below 0.00001.

Submission:

Ambry Genetics
Classification: Uncertain significance for Inborn genetic diseases. Last evaluated: 2021-07-12. Review status: criteria provided, single submitter. Criteria: Ambry Variant Classification Scheme 2023. Collection method: clinical testing. Allele origin: germline.
Comment: The p.H1407R variant (also known as c.4220A>G), located in coding exon 30 of the LRRK2 gene, results from an A to G substitution at nucleotide position 4220. The histidine at codon 1407 is replaced by arginine, an amino acid with highly similar properties. This amino acid position is conserved. In addition, this alteration is predicted to be deleterious by in silico analysis. Since supporting evidence is limited at this time, the clinical significance of this alteration remains unclear.

NM_198578.4(LRRK2):c.4220A>G (p.His1407Arg)

Gene: LRRK2 (leucine rich repeat kinase 2; plus strand). Cytogenetic location: 12q12.
Variant type: single nucleotide variant.
Coding change: c.4220A>G on transcript NM_198578.4 (MANE Select); coding-DNA position 4220, A replaced by G.
Protein change: p.His1407Arg; replaces histidine 1407 with arginine.
Molecular consequence: missense variant.
Genome position (GRCh38, 1-based): chr12:40,309,136, A>G. VCF-style: chr12-40309136-A-G. GRCh37 (hg19) VCF-style: chr12-40702938-A-G.
Other names: short protein forms H1407R.
Identifiers: ClinVar variation 1738827 (VCV001738827.2), dbSNP rs1185834709, ClinGen allele CA384418026.